The following is an entry in ClinVar:

NM_016507.4(CDK12):c.1519G>A (p.Ala507Thr)

Gene: CDK12 (cyclin dependent kinase 12; plus strand). Cytogenetic location: 17q12.
Variant type: single nucleotide variant.
Coding change: c.1519G>A on transcript NM_016507.4 (MANE Select); coding-DNA position 1519, G replaced by A.
Protein change: p.Ala507Thr; replaces alanine 507 with threonine.
Molecular consequence: missense variant.
Genome position (GRCh38, 1-based): chr17:39,471,351, G>A. VCF-style: chr17-39471351-G-A. GRCh37 (hg19) VCF-style: chr17-37627604-G-A.
Other names: c.1519G>A, p.Ala507Thr (NM_015083.4); short protein forms A507T.
Identifiers: ClinVar variation 4224299 (VCV004224299.1).

ClinVar aggregate classification (germline): Uncertain significance (1 of 4 stars; one submission).

gnomAD v4.1: 3 of 1,614,002 alleles (0.00019%); highest among the groups gnomAD compares: Non-Finnish European, 0.00025%; no homozygotes.

Submission:

Ambry Genetics
Classification: Uncertain significance. Last evaluated: 2025-07-18. Review status: criteria provided, single submitter. Criteria: Ambry Variant Classification Scheme 2023. Collection method: clinical testing. Allele origin: germline.
Comment: The p.A507T variant (also known as c.1519G>A), located in coding exon 2 of the CDK12 gene, results from a G to A substitution at nucleotide position 1519. The alanine at codon 507 is replaced by threonine, an amino acid with similar properties. This amino acid position is conserved. In addition, this alteration is predicted to be tolerated by in silico analysis. Based on the available evidence, the clinical significance of this variant remains unclear.